The following is an entry in ClinVar:

ClinVar aggregate classification (germline): Likely benign. Review status: criteria provided, multiple submitters, no conflicts (2 of 4 stars). 2 submissions from 2 submitters: Likely benign (2). Last evaluated 2018-06-19.

Allele frequency attached by ClinVar (database versions not stated): 1000 Genomes Project 30x 0.00671; 1000 Genomes Project 0.00719; gnomAD 0.00891 and 0.00972; TOPMed 0.00931; gnomAD exomes 0.01448.
gnomAD v4.1: 13,978 of 1,018,548 alleles (1.4%); highest among the groups gnomAD compares: South Asian, 3%; 154 homozygotes.

Submissions (2):

GeneDx
Classification: Likely benign. Last evaluated: 2018-06-19. Review status: criteria provided, single submitter. Criteria: GeneDx Variant Classification (06012015). Collection method: clinical testing. Allele origin: germline. Affected: yes.
Comment: This variant is considered likely benign or benign based on one or more of the following criteria: it is a conservative change, it occurs at a poorly conserved position in the protein, it is predicted to be benign by multiple in silico algorithms, and/or has population frequency not consistent with disease.

Breakthrough Genomics
Classification: Likely benign. Review status: criteria provided, single submitter. Criteria: ACMG Guidelines, 2015. Collection method: not provided. Allele origin: germline. Inheritance: Autosomal recessive inheritance. Affected: yes.

NM_003640.5(ELP1):c.2363+70A>G

Gene: ELP1 (elongator acetyltransferase complex subunit 1; minus strand). Cytogenetic location: 9q31.3.
Variant type: single nucleotide variant.
Coding change: c.2363+70A>G on transcript NM_003640.5 (MANE Select); 70 bases into the intron after coding-DNA position 2363, A replaced by G.
Molecular consequence: intron variant.
Genome position (GRCh38, 1-based): chr9:108,898,432, T>C on the plus strand (A>G on the coding strand, the complement: ELP1 is on the minus strand). VCF-style: chr9-108898432-T-C. GRCh37 (hg19) VCF-style: chr9-111660712-T-C.
Other names: c.2021+70A>G (NM_001318360.2); c.1316+70A>G (NM_001330749.2).
Identifiers: ClinVar variation 676417 (VCV000676417.2), dbSNP rs41313339, ClinGen allele CA197533845.